The following is an entry in ClinVar:

ClinVar aggregate classification (germline): Uncertain significance (1 of 4 stars; one submission).

Allele frequency attached by ClinVar (database versions not stated): gnomAD exomes 0.00001.
gnomAD v4.1: 9 of 1,612,886 alleles (0.00056%); highest among the groups gnomAD compares: Non-Finnish European, 0.00076%; no homozygotes.

Submission:

Labcorp Genetics (formerly Invitae), Labcorp
Classification: Uncertain significance. Last evaluated: 2023-12-07. Review status: criteria provided, single submitter. Criteria: Invitae Variant Classification Sherloc (09022015). Collection method: clinical testing. Allele origin: germline.
Comment: This sequence change replaces valine, which is neutral and non-polar, with methionine, which is neutral and non-polar, at codon 1007 of the HPS5 protein (p.Val1007Met). This variant is not present in population databases (gnomAD no frequency). This variant has not been reported in the literature in individuals affected with HPS5-related conditions. ClinVar contains an entry for this variant (Variation ID: 2088372). An algorithm developed to predict the effect of missense changes on protein structure and function (PolyPhen-2) suggests that this variant is likely to be disruptive. In summary, the available evidence is currently insufficient to determine the role of this variant in disease. Therefore, it has been classified as a Variant of Uncertain Significance.

NM_181507.2(HPS5):c.3019G>A (p.Val1007Met)

Gene: HPS5 (HPS5 biogenesis of lysosomal organelles complex 2 subunit 2; minus strand). Cytogenetic location: 11p15.1.
Variant type: single nucleotide variant.
Coding change: c.3019G>A on transcript NM_181507.2 (MANE Select); coding-DNA position 3019, G replaced by A.
Protein change: p.Val1007Met; replaces valine 1007 with methionine.
Molecular consequence: missense variant.
Genome position (GRCh38, 1-based): chr11:18,283,834, C>T on the plus strand (G>A on the coding strand, the complement: HPS5 is on the minus strand). VCF-style: chr11-18283834-C-T. GRCh37 (hg19) VCF-style: chr11-18305381-C-T.
Other names: c.2677G>A, p.Val893Met (NM_181508.2, NM_007216.4); short protein forms V893M, V1007M.
Identifiers: ClinVar variation 2088372 (VCV002088372.4), dbSNP rs1859341794, ClinGen allele CA379513442.